The following is an entry in ClinVar:

NM_000286.3(PEX12):c.888_889del (p.Leu297fs)

Gene: PEX12 (peroxisomal biogenesis factor 12; minus strand). Cytogenetic location: 17q12.
Variant type: Microsatellite.
Coding change: c.888_889del on transcript NM_000286.3 (MANE Select); coding-DNA positions 888 to 889, 2 bases deleted (CT; older notation c.888_889delCT).
Protein change: p.Leu297fs; shifts the reading frame from leucine 297.
Molecular consequence: frameshift variant.
Genome position (GRCh38, 1-based): chr17:35,575,973-35,575,974, AG deleted on the plus strand (CT on the coding strand, the reverse complement: PEX12 is on the minus strand); deleting any 2 consecutive bases within chr17:35,575,973-35,575,976 gives the same sequence; the c. name uses the placement nearest the transcript's 3' end. VCF-style (leftmost placement, unchanged base first): chr17-35575972-AAG-A. GRCh37 (hg19) VCF-style: chr17-33902991-AAG-A.
Other names: c.888_889del (NM_000286.2); short protein forms L297fs.
Identifiers: ClinVar variation 92776 (VCV000092776.42), dbSNP rs398123301, ClinGen allele CA220609.
Genomic context (GRCh38, chr17:35,575,972, plus strand): 5'-AGAACAGTATCATTCACCCGGGTTTTACGACACAGTGGGCACACAGTCTTCATTTTGGGT[AAG>A]AGGGGAGAATCAGAGTTATAGTCTAGGTGTACAGGTGGTGGTGGAGTAGGCAGGGCAGTC-3'

ClinVar aggregate classification (germline): Pathogenic. Review status: criteria provided, multiple submitters, no conflicts (2 of 4 stars). 19 submissions from 18 submitters: Pathogenic (17). 2 of the submissions do not count toward it. Last evaluated 2026-07-27.

Conditions:
PEX12-related disorder. Also called: PEX12-related condition; PEX12-related disorders.
Autosomal recessive PEX12-related disorders.
Peroxisome biogenesis disorder type 3B. Identifiers: Orphanet 44, Orphanet 772, MedGen C3550693, MONDO:0009959, OMIM 266510.
Peroxisome biogenesis disorder 3A (Zellweger). Also called: PEROXISOMAL BIOGENESIS DISORDER 3A (ZELLWEGER); Peroxisome biogenesis disorder 3A. Identifiers: Orphanet 912, MedGen C3553929, MONDO:0013927, OMIM 614859.
Inborn genetic diseases. Identifiers: MedGen C0950123, MeSH D030342.
Peroxisome biogenesis disorder. Identifiers: Orphanet 79189, MedGen C1832200, MONDO:0019234. Disease mechanism: loss of function.

Submissions (19):

GeneDx
Classification: Pathogenic. Last evaluated: 2026-07-27. Review status: criteria provided, single submitter. Criteria: GeneDx Variant Classification Process June 2021. Collection method: clinical testing. Allele origin: germline.
Comment: Frameshift variant predicted to result in abnormal protein length as the last 63 amino acids are replaced with 11 different amino acids, and other similar variants have been reported in HGMD; Also known as c.887_888delTC using alternate nomenclature; This variant is associated with the following publications: (PMID: 31395954, 9792857, 34426522, 31589614, 21031596, 32005694, 34440436, 15542397, 29619570, 14571262, 32483926, 26094004, 25287621)

CeGaT Center for Human Genetics Tuebingen
Classification: Pathogenic. Last evaluated: 2026-04-01. Review status: criteria provided, single submitter. Criteria: CeGaT Center For Human Genetics Tuebingen Variant Classification Criteria Version 2. Collection method: clinical testing. Allele origin: germline. Affected: yes. Observed: 1 variant allele.
Comment: PEX12: PM3:Strong, PVS1:Strong, PM2

Labcorp Genetics (formerly Invitae), Labcorp
Classification: Pathogenic for Peroxisome biogenesis disorder 3A (Zellweger). Last evaluated: 2026-01-13. Review status: criteria provided, single submitter. Criteria: Invitae Variant Classification Sherloc (09022015). Collection method: clinical testing. Allele origin: germline.
Comment: This sequence change creates a premature translational stop signal (p.Leu297Thrfs*12) in the PEX12 gene. While this is not anticipated to result in nonsense mediated decay, it is expected to disrupt the last 63 amino acid(s) of the PEX12 protein. This variant is present in population databases (rs398123301, gnomAD 0.03%). This premature translational stop signal has been observed in individuals with PEX12-related conditions (PMID: 9792857, 14571262, 21031596, 25287621, 26094004). ClinVar contains an entry for this variant (Variation ID: 92776). Experimental studies and prediction algorithms are not available or were not evaluated, and the functional significance of this variant is currently unknown. For these reasons, this variant has been classified as Pathogenic.

Variantyx, Inc.
Classification: Pathogenic for Autosomal recessive PEX12-related disorders. Last evaluated: 2025-11-02. Review status: criteria provided, single submitter. Criteria: Variantyx Assertion Criteria 2022. Collection method: clinical testing. Allele origin: germline. Inheritance: Autosomal recessive inheritance. Affected: no.
Comment: This is a frameshift variant in the PEX12 gene (OMIM: 601758). Pathogenic variants in this gene have been associated with autosomal recessive PEX12-related disorders. This variant introduces a premature termination codon in exon 3 out of 3and is expected to result in loss of function, which is a known disease mechanism for PEX12 in this disorder (PVS1). This variant has been identified in the homozygous or compound heterozygous state in at least 3 individuals reported in the published literature (PMID: 9792857, 31395954, 21031596) (PM3_Strong). It has a 0.0450% maximum allele frequency in non-founder control populations (PM2). Based on the current evidence, this variant is classified as pathogenic for autosomal recessive PEX12-related disorders.

3billion
Classification: Pathogenic for Peroxisome biogenesis disorder 3A (Zellweger). Last evaluated: 2025-03-25. Review status: criteria provided, single submitter. Criteria: ACMG Guidelines, 2015. Collection method: clinical testing. Allele origin: germline. Affected: yes.
Comment: The variant is observed at an extremely low frequency in the gnomAD v4.1.0 dataset (total allele frequency: 0.012%). Predicted Consequence/Location: Frameshift: predicted to result in a loss or disruption of normal protein function through protein truncation. The predicted truncated protein may be shortened by more than 10%. The variant has been reported at least twice as pathogenic with clinical assertions and evidence for the classification (ClinVar ID: VCV000092776 / PMID: 9792857). Therefore, this variant is classified as Pathogenic according to the recommendation of ACMG/AMP guideline.

Dubai Health Genomic Medicine Center, Dubai Health
Classification: Pathogenic for Peroxisome biogenesis disorder 3B. Last evaluated: 2024-10-04. Review status: criteria provided, single submitter. Criteria: ACMG Guidelines, 2015. Collection method: research. Allele origin: germline. Affected: yes.
Comment: PVS1,PM3 (strong),PM2

Blueprint Genetics
Classification: Pathogenic for PEX12-related disorders. Last evaluated: 2024-07-15. Review status: criteria provided, single submitter. Criteria: ACMG Guidelines, 2015. Collection method: clinical testing. Allele origin: germline. Affected: yes. Observed: 5 variant alleles.

Baylor Genetics
Classification: Pathogenic for Peroxisome biogenesis disorder 3A (Zellweger). Last evaluated: 2024-03-20. Review status: criteria provided, single submitter. Criteria: ACMG Guidelines, 2015. Collection method: clinical testing. Allele origin: unknown.

Fulgent Genetics
Classification: Pathogenic for Peroxisome biogenesis disorder type 3B; Peroxisome biogenesis disorder 3A (Zellweger). Last evaluated: 2024-03-13. Review status: criteria provided, single submitter. Criteria: ACMG Guidelines, 2015. Collection method: clinical testing. Allele origin: germline.

Ambry Genetics
Classification: Pathogenic for Inborn genetic diseases. Last evaluated: 2021-09-22. Review status: criteria provided, single submitter. Criteria: Ambry Variant Classification Scheme 2023. Collection method: clinical testing. Allele origin: germline.
Comment: The c.888_889delCT (p.L297Tfs*12) alteration, located in exon 3 (coding exon 3) of the PEX12 gene, consists of a deletion of 2 nucleotides from position 888 to 889, causing a translational frameshift with a predicted alternate stop codon after 12 amino acids. This alteration occurs at the 3' terminus of the PEX12 gene, is not expected to trigger nonsense-mediated mRNA decay, and impacts the last 17% of the protein. Premature stop codons are typically deleterious in nature and the impacted region is critical for protein function (Ambry internal data). This alteration has been detected in multiple individuals with PEX12-related peroxisome biogenesis disorder, in the homozygous state, the compound heterozygous state, and in the heterozygous state without a second alteration identified (Chang, 1998; Ebberink, 2011; Gootjes, 2004; Konkoov&aacute;, 2015; Salpietro, 2015; Steinberg, 2004; Wojcik, 2019). Based on the available evidence, this alteration is classified as pathogenic.

Revvity Omics, Revvity
Classification: Pathogenic. Last evaluated: 2020-03-23. Review status: criteria provided, single submitter. Criteria: ACMG Guidelines, 2015. Collection method: clinical testing. Allele origin: germline.

Myriad Genetics, Inc.
Classification: Pathogenic for Peroxisome biogenesis disorder 3A (Zellweger). Last evaluated: 2020-01-06. Review status: criteria provided, single submitter. Criteria: Myriad Women's Health Autosomal Recessive and X-Linked Classification Criteria (2019). Collection method: clinical testing. Allele origin: unknown.
Comment: NM_000286.2(PEX12):c.888_889delCT(L297Tfs*12) is classified as pathogenic in the context of peroxisome biogenesis disorder type 3. Sources cited for classification include the following: PMID list all 9792857, 14571262, 15542397 and 21031596. Classification of NM_000286.2(PEX12):c.888_889delCT(L297Tfs*12) is based on the following criteria: The variant causes a premature termination codon that is not expected to be targeted by nonsense-mediated mRNA decay; however, literature evidence strongly supports pathogenicity. Please note: this variant was assessed in the context of healthy population screening.

Myriad Genetics, Inc.
Classification: Pathogenic for Peroxisome biogenesis disorder type 3B. Last evaluated: 2020-01-06. Review status: criteria provided, single submitter. Criteria: Myriad Women's Health Autosomal Recessive and X-Linked Classification Criteria (2019). Collection method: clinical testing. Allele origin: unknown.
Comment: the same text as in the submission from Myriad Genetics, Inc. above.

Eurofins Ntd Llc (ga)
Classification: Pathogenic. Last evaluated: 2018-02-16. Review status: criteria provided, single submitter. Criteria: EGL ClinVar v180209 classification definitions. Collection method: clinical testing. Allele origin: germline. Observed: 7 variant alleles, 7 heterozygotes.

Center for Pediatric Genomic Medicine, Children's Mercy Hospital and Clinics
Classification: Pathogenic. Last evaluated: 2017-01-10. Review status: criteria provided, single submitter. Criteria: ACMG Guidelines, 2015. Collection method: clinical testing. Allele origin: germline.

Women's Health and Genetics/Laboratory Corporation of America, LabCorp
Classification: Pathogenic for Peroxisome biogenesis disorder. Last evaluated: 2016-07-21. Review status: criteria provided, single submitter. Criteria: LabCorp Variant Classification Summary - May 2015. Collection method: clinical testing. Allele origin: germline.
Comment: Variant summary: The PEX12 c.888_889delCT (p.Leu297Thrfs) variant results in a premature termination codon, predicted to cause a truncated or absent PEX12 protein due to nonsense mediated decay, which are commonly known mechanisms for disease. One in silico tool predicts a damaging outcome for this variant. This variant was found in 8/121406 control chromosomes at a frequency of 0.0000659, which does not exceed the estimated maximal expected allele frequency of a pathogenic PEX12 variant (0.0015811). The variant has been identified in multiple affected individuals in heterozygous and homozygous state. In addition, one clinical diagnostic laboratory classified this variant as pathogenic. Taken together, this variant is classified as pathogenic.

Juno Genomics, Hangzhou Juno Genomics, Inc
Classification: Pathogenic for Peroxisome biogenesis disorder 3A (Zellweger); Peroxisome biogenesis disorder type 3B. Review status: criteria provided, single submitter. Criteria: ACMG Guidelines, 2015. Collection method: clinical testing. Allele origin: germline.
Comment: Absent from controls (or at extremely low frequency if recessive) in Genome Aggregation Database.;Null variant in a gene where loss of function (LOF) is a known mechanism of disease.;For recessive disorders, detected in trans with a pathogenic variant.;Patient's phenotype or family history is highly specific for a disease with a single genetic etiology.

PreventionGenetics, part of Exact Sciences
Classification: Pathogenic for PEX12-related condition. Last evaluated: 2024-09-25. Review status: no assertion criteria provided. Collection method: clinical testing. Allele origin: germline. Not counted in ClinVar's aggregate classification.
Comment: The PEX12 c.888_889delCT variant is predicted to result in a frameshift and premature protein termination (p.Leu297Thrfs*12). This variant has been reported in the homozygous and compound heterozygous states in multiple individuals with Zellweger syndrome (Chang and Gould 1998. PubMed ID: 9792857; Gootjes et al. 2004. PubMed ID: 14571262; Ebberink et al. 2011. PubMed ID: 21031596; Salpietro et al. 2015. PubMed ID: 25287621). This variant is reported in 0.028% of alleles in individuals of African descent in gnomAD. Frameshift variants in PEX12 are expected to be pathogenic. This variant is interpreted as pathogenic.

OMIM
Classification: Pathogenic for PEROXISOMAL BIOGENESIS DISORDER 3A (ZELLWEGER). Last evaluated: 1998-11-01. Review status: no assertion criteria provided. Collection method: literature only. Allele origin: germline. Not counted in ClinVar's aggregate classification.

Literature cited by the submitters: PubMed 9792857 (cited by 6 submitters); PubMed 14571262 (cited by 3 submitters); PubMed 21031596 (cited by 5 submitters); PubMed 25287621 (cited by 3 submitters); PubMed 26094004 (cited by 3 submitters); PubMed 31395954 (cited by Variantyx, Inc. and Ambry Genetics); PubMed 15542397 (cited by Ambry Genetics and Myriad Genetics, Inc.); PubMed 19105186 (cited by Ambry Genetics).